The following is an entry in ClinVar:

ClinVar aggregate classification (germline): Uncertain significance (1 of 4 stars; one submission).

Conditions:
Charcot-Marie-Tooth disease type 4. Also called: Charcot-Marie-Tooth disease, type IV; Charcot-Marie-Tooth, Type 4. Identifiers: Orphanet 64749, MedGen C4082197, MONDO:0018995.

Allele frequency attached by ClinVar (database versions not stated): gnomAD exomes below 0.00001.
gnomAD v4.1: 1 of 1,614,072 alleles (0.000062%); highest among the groups gnomAD compares: Non-Finnish European, 0.000085%; no homozygotes.

Submission:

Labcorp Genetics (formerly Invitae), Labcorp
Classification: Uncertain significance for Charcot-Marie-Tooth disease type 4. Last evaluated: 2019-09-24. Review status: criteria provided, single submitter. Criteria: Invitae Variant Classification Sherloc (09022015). Collection method: clinical testing. Allele origin: germline.
Comment: This variant is not present in population databases (ExAC no frequency). This variant has not been reported in the literature in individuals with SBF2-related conditions. Algorithms developed to predict the effect of missense changes on protein structure and function (SIFT, PolyPhen-2, Align-GVGD) all suggest that this variant is likely to be tolerated, but these predictions have not been confirmed by published functional studies and their clinical significance is uncertain. In summary, the available evidence is currently insufficient to determine the role of this variant in disease. Therefore, it has been classified as a Variant of Uncertain Significance. This sequence change replaces serine with isoleucine at codon 1428 of the SBF2 protein (p.Ser1428Ile). The serine residue is moderately conserved and there is a large physicochemical difference between serine and isoleucine.

NM_030962.4(SBF2):c.4283G>T (p.Ser1428Ile)

Genes: SBF2 (SET binding factor 2; minus strand), SBF2-AS1 (SBF2 antisense RNA 1; plus strand). Cytogenetic location: 11p15.4.
Variant type: single nucleotide variant.
Coding change: c.4283G>T on transcript NM_030962.4 (MANE Select); coding-DNA position 4283, G replaced by T.
Protein change: p.Ser1428Ile; replaces serine 1428 with isoleucine.
Molecular consequence: missense variant. On other transcripts: non-coding transcript variant (1).
Genome position (GRCh38, 1-based): chr11:9,808,160, C>A on the plus strand (G>T on the coding strand, the complement: SBF2 is on the minus strand). VCF-style: chr11-9808160-C-A. GRCh37 (hg19) VCF-style: chr11-9829707-C-A.
Other names: c.4379G>T, p.Ser1460Ile (NM_001386339.1); c.4154G>T, p.Ser1385Ile (NM_001386342.1); short protein forms S1428I, S1385I, S1460I.
Identifiers: ClinVar variation 937181 (VCV000937181.9), dbSNP rs1853958713, ClinGen allele CA379640355.